The following is an entry in ClinVar:

ClinVar aggregate classification (germline): Uncertain significance. Review status: criteria provided, multiple submitters, no conflicts (2 of 4 stars). 3 submissions from 3 submitters: Uncertain significance (2). 1 of the submissions does not count toward it. Last evaluated 2022-11-02.

Conditions:
Usher syndrome type 1F (USH1F). Also called: USHER SYNDROME, TYPE IF. Identifiers: Orphanet 231169, Orphanet 886, MedGen C1865885, MONDO:0011186, OMIM 602083.

Allele frequency attached by ClinVar (database versions not stated): gnomAD exomes below 0.00001 and 0.00002; ExAC 0.00002; gnomAD 0.00004 and 0.00005; TOPMed 0.00005; 1000 Genomes Project 0.00020; 1000 Genomes Project 30x 0.00031.
gnomAD v4.1: 10 of 1,613,018 alleles (0.00062%); highest among the groups gnomAD compares: African/African-American, 0.013%; no homozygotes.

Submissions (3):

Blueprint Genetics
Classification: Uncertain significance. Last evaluated: 2022-11-02. Review status: criteria provided, single submitter. Criteria: ACMG Guidelines, 2015. Collection method: clinical testing. Allele origin: germline.

Labcorp Genetics (formerly Invitae), Labcorp
Classification: Uncertain significance. Last evaluated: 2022-06-13. Review status: criteria provided, single submitter. Criteria: Invitae Variant Classification Sherloc (09022015). Collection method: clinical testing. Allele origin: germline.
Comment: This sequence change replaces glycine, which is neutral and non-polar, with arginine, which is basic and polar, at codon 1444 of the PCDH15 protein (p.Gly1444Arg). This variant is present in population databases (rs550282961, gnomAD 0.02%). This variant has not been reported in the literature in individuals affected with PCDH15-related conditions. ClinVar contains an entry for this variant (Variation ID: 1041977). Algorithms developed to predict the effect of missense changes on protein structure and function are either unavailable or do not agree on the potential impact of this missense change (SIFT: "Deleterious"; PolyPhen-2: "Benign"; Align-GVGD: "Class C0"). In summary, the available evidence is currently insufficient to determine the role of this variant in disease. Therefore, it has been classified as a Variant of Uncertain Significance.

Natera, Inc.
Classification: Uncertain significance for Usher syndrome type 1F. Last evaluated: 2020-08-24. Review status: no assertion criteria provided. Collection method: clinical testing. Allele origin: germline. Not counted in ClinVar's aggregate classification.

NM_001384140.1(PCDH15):c.4330G>C (p.Gly1444Arg)

Gene: PCDH15 (protocadherin related 15; minus strand). Cytogenetic location: 10q21.1.
Variant type: single nucleotide variant.
Coding change: c.4330G>C on transcript NM_001384140.1 (MANE Select); coding-DNA position 4330, G replaced by C.
Protein change: p.Gly1444Arg; replaces glycine 1444 with arginine.
Molecular consequence: missense variant.
Genome position (GRCh38, 1-based): chr10:53,827,430, C>G on the plus strand (G>C on the coding strand, the complement: PCDH15 is on the minus strand). VCF-style: chr10-53827430-C-G. GRCh37 (hg19) VCF-style: chr10-55587190-C-G.
Other names: c.4345G>C, p.Gly1449Arg (NM_001142763.2, NM_001142771.2); c.4330G>C, p.Gly1444Arg (NM_001142764.2, NM_001142770.3, NM_001142772.2 and 3 more transcripts); c.4117G>C, p.Gly1373Arg (NM_001142765.2); c.4321G>C, p.Gly1441Arg (NM_001142766.2); c.4210G>C, p.Gly1404Arg (NM_001142767.2); c.4264G>C, p.Gly1422Arg (NM_001142768.2, NM_001354404.2); c.4366G>C, p.Gly1456Arg (NM_001142769.4); c.4255G>C, p.Gly1419Arg (NM_001142773.2); and 1 more; short protein forms G1404R, G1422R, G1441R, G1456R, G1373R, G1419R, G1444R, G1449R.
Identifiers: ClinVar variation 1041977 (VCV001041977.8), dbSNP rs550282961, ClinGen allele CA5505358.